The following is an entry in ClinVar:

ClinVar aggregate classification (germline): Benign/Likely benign. Review status: criteria provided, multiple submitters, no conflicts (2 of 4 stars). 6 submissions from 6 submitters: Benign (2); Likely benign (4). Last evaluated 2025-10-25.

Conditions:
Tuberous sclerosis 1 (TSC1). Identifiers: Orphanet 805, MedGen C1854465, MONDO:0008612, OMIM 191100.
Hereditary cancer-predisposing syndrome. Also called: Tumor predisposition; Hereditary neoplastic syndrome; Hereditary Cancer Syndrome; Neoplastic Syndromes, Hereditary. Identifiers: Orphanet 140162, MedGen C0027672, MeSH D009386, MONDO:0015356.

Allele frequency attached by ClinVar (database versions not stated): gnomAD exomes below 0.00001; ExAC 0.00001.
gnomAD v4.1: 3 of 1,614,196 alleles (0.00019%); highest among the groups gnomAD compares: African/African-American, 0.0013%; no homozygotes.

Submissions (6):

Labcorp Genetics (formerly Invitae), Labcorp
Classification: Likely benign for Tuberous sclerosis 1. Last evaluated: 2025-10-25. Review status: criteria provided, single submitter. Criteria: Invitae Variant Classification Sherloc (09022015). Collection method: clinical testing. Allele origin: germline.

Myriad Genetics, Inc.
Classification: Benign for Tuberous sclerosis 1. Last evaluated: 2025-04-29. Review status: criteria provided, single submitter. Criteria: Myriad Autosomal Dominant, Autosomal Recessive and X-Linked Classification Criteria (2023). Collection method: clinical testing. Allele origin: unknown.
Comment: This variant is considered benign. This variant is a silent/synonymous amino acid change and it is not expected to impact splicing.

CeGaT Center for Human Genetics Tuebingen
Classification: Likely benign. Last evaluated: 2024-03-01. Review status: criteria provided, single submitter. Criteria: CeGaT Center For Human Genetics Tuebingen Variant Classification Criteria Version 2. Collection method: clinical testing. Allele origin: germline. Affected: yes. Observed: 1 variant allele.
Comment: TSC1: BP4, BP7

Ambry Genetics
Classification: Likely benign for Hereditary cancer-predisposing syndrome. Last evaluated: 2021-12-22. Review status: criteria provided, single submitter. Criteria: Ambry Variant Classification Scheme 2023. Collection method: clinical testing. Allele origin: germline.

Genome-Nilou Lab
Classification: Benign for Tuberous sclerosis 1. Last evaluated: 2021-11-07. Review status: criteria provided, single submitter. Criteria: ACMG Guidelines, 2015. Collection method: clinical testing. Allele origin: germline. Affected: no.

GeneDx
Classification: Likely benign. Last evaluated: 2020-12-15. Review status: criteria provided, single submitter. Criteria: GeneDx Variant Classification Process June 2021. Collection method: clinical testing. Allele origin: germline. Affected: yes.

NM_000368.5(TSC1):c.2787T>C (p.Tyr929=)

Gene: TSC1 (TSC complex subunit 1; minus strand). Cytogenetic location: 9q34.13.
Variant type: single nucleotide variant.
Coding change: c.2787T>C on transcript NM_000368.5 (MANE Select); coding-DNA position 2787, T replaced by C.
Protein change: p.Tyr929=; no amino-acid change (tyrosine 929 retained).
Molecular consequence: synonymous variant.
Genome position (GRCh38, 1-based): chr9:132,897,449, A>G on the plus strand (T>C on the coding strand, the complement: TSC1 is on the minus strand). VCF-style: chr9-132897449-A-G. GRCh37 (hg19) VCF-style: chr9-135772836-A-G.
Other names: c.2784T>C, p.Tyr928= (NM_001162426.2); c.2634T>C, p.Tyr878= (NM_001162427.2); c.2424T>C, p.Tyr808= (NM_001362177.2).
Identifiers: ClinVar variation 1126849 (VCV001126849.38), dbSNP rs753980869, ClinGen allele CA034602.